The following is an entry in ClinVar:

NM_015076.5(CDK19):c.1483C>A (p.Pro495Thr)

Gene: CDK19 (cyclin dependent kinase 19; minus strand). Cytogenetic location: 6q21.
Variant type: single nucleotide variant.
Coding change: c.1483C>A on transcript NM_015076.5 (MANE Select); coding-DNA position 1483, C replaced by A.
Protein change: p.Pro495Thr; replaces proline 495 with threonine.
Molecular consequence: missense variant.
Genome position (GRCh38, 1-based): chr6:110,614,561, G>T on the plus strand (C>A on the coding strand, the complement: CDK19 is on the minus strand). VCF-style: chr6-110614561-G-T. GRCh37 (hg19) VCF-style: chr6-110935764-G-T.
Other names: c.1483C>A (NM_015076.3); c.1351C>A, p.Pro451Thr (NM_001300960.2); c.1303C>A, p.Pro435Thr (NM_001300963.2, NM_001300964.2); short protein forms P435T, P451T, P495T.
Identifiers: ClinVar variation 2072227 (VCV002072227.5), dbSNP rs928696407, ClinGen allele CA145820258.

ClinVar aggregate classification (germline): Uncertain significance. Review status: criteria provided, multiple submitters, no conflicts (2 of 4 stars). 2 submissions from 2 submitters: Uncertain significance (2). Last evaluated 2024-06-11.

Conditions:
Inborn genetic diseases. Identifiers: MedGen C0950123, MeSH D030342.

Allele frequency attached by ClinVar (database versions not stated): gnomAD 0.00002; TOPMed 0.00005.
gnomAD v4.1: 6 of 1,613,948 alleles (0.00037%); highest among the groups gnomAD compares: African/African-American, 0.008%; no homozygotes.

Submissions (2):

Ambry Genetics
Classification: Uncertain significance for Inborn genetic diseases. Last evaluated: 2024-06-11. Review status: criteria provided, single submitter. Criteria: Ambry Variant Classification Scheme 2023. Collection method: clinical testing. Allele origin: germline.

Labcorp Genetics (formerly Invitae), Labcorp
Classification: Uncertain significance. Last evaluated: 2023-03-03. Review status: criteria provided, single submitter. Criteria: Invitae Variant Classification Sherloc (09022015). Collection method: clinical testing. Allele origin: germline.
Comment: This sequence change replaces proline, which is neutral and non-polar, with threonine, which is neutral and polar, at codon 495 of the CDK19 protein (p.Pro495Thr). This variant is present in population databases (no rsID available, gnomAD 0.007%). This variant has not been reported in the literature in individuals affected with CDK19-related conditions. ClinVar contains an entry for this variant (Variation ID: 2072227). Experimental studies and prediction algorithms are not available or were not evaluated, and the functional significance of this variant is currently unknown. In summary, the available evidence is currently insufficient to determine the role of this variant in disease. Therefore, it has been classified as a Variant of Uncertain Significance.